The following is an entry in ClinVar:

NM_003579.4(RAD54L):c.186A>G (p.Pro62=)

Gene: RAD54L (RAD54 like; plus strand). Cytogenetic location: 1p34.1.
Variant type: single nucleotide variant.
Coding change: c.186A>G on transcript NM_003579.4 (MANE Select); coding-DNA position 186, A replaced by G.
Protein change: p.Pro62=; no amino-acid change (proline 62 retained).
Molecular consequence: synonymous variant. On other transcripts: 5 prime UTR variant (1).
Genome position (GRCh38, 1-based): chr1:46,250,095, A>G. VCF-style: chr1-46250095-A-G. GRCh37 (hg19) VCF-style: chr1-46715767-A-G.
Other names: c.186A>G, p.Pro62= (NM_001142548.2); c.-355A>G (NM_001370766.1).
Identifiers: ClinVar variation 1781635 (VCV001781635.3), dbSNP rs775290794, ClinGen allele CA834159.

ClinVar aggregate classification (germline): Likely benign. Review status: criteria provided, multiple submitters, no conflicts (2 of 4 stars). 2 submissions from 2 submitters: Likely benign (2). Last evaluated 2026-09-01.

Allele frequency attached by ClinVar (database versions not stated): ExAC 0.00003; gnomAD exomes 0.00003; gnomAD 0.00005; TOPMed 0.00005.
gnomAD v4.1: 51 of 1,613,982 alleles (0.0032%); highest among the groups gnomAD compares: Non-Finnish European, 0.0043%; no homozygotes.

Submissions (2):

CeGaT Center for Human Genetics Tuebingen
Classification: Likely benign. Last evaluated: 2026-09-01. Review status: criteria provided, single submitter. Criteria: CeGaT Center For Human Genetics Tuebingen Variant Classification Criteria Version 2. Collection method: clinical testing. Allele origin: germline. Affected: yes. Observed: 1 variant allele.
Comment: RAD54L: BP4, BP7

Ambry Genetics
Classification: Likely benign. Last evaluated: 2022-02-12. Review status: criteria provided, single submitter. Criteria: Ambry Variant Classification Scheme 2023. Collection method: clinical testing. Allele origin: germline.